The following is an entry in ClinVar:

NM_024652.6(LRRK1):c.2074T>A (p.Ser692Thr)

Gene: LRRK1 (leucine rich repeat kinase 1; plus strand). Cytogenetic location: 15q26.3.
Variant type: single nucleotide variant.
Coding change: c.2074T>A on transcript NM_024652.6 (MANE Select); coding-DNA position 2074, T replaced by A.
Protein change: p.Ser692Thr; replaces serine 692 with threonine.
Molecular consequence: missense variant.
Genome position (GRCh38, 1-based): chr15:101,024,809, T>A. VCF-style: chr15-101024809-T-A. GRCh37 (hg19) VCF-style: chr15-101565014-T-A.
Other names: short protein forms S692T.
Identifiers: ClinVar variation 1355358 (VCV001355358.3), dbSNP rs200409352, ClinGen allele CA7761122.

ClinVar aggregate classification (germline): Uncertain significance (1 of 4 stars; one submission).

Allele frequency attached by ClinVar (database versions not stated): ExAC 0.00004; ESP Exome Variant Server 0.00008; gnomAD exomes 0.00008 and 0.00019; TOPMed 0.00010; gnomAD 0.00013 and 0.00014.

Submission:

Labcorp Genetics (formerly Invitae), Labcorp
Classification: Uncertain significance. Last evaluated: 2022-10-18. Review status: criteria provided, single submitter. Criteria: Invitae Variant Classification Sherloc (09022015). Collection method: clinical testing. Allele origin: germline.
Comment: This sequence change replaces serine, which is neutral and polar, with threonine, which is neutral and polar, at codon 692 of the LRRK1 protein (p.Ser692Thr). This variant is present in population databases (rs200409352, gnomAD 0.02%). This variant has not been reported in the literature in individuals affected with LRRK1-related conditions. ClinVar contains an entry for this variant (Variation ID: 1355358). Algorithms developed to predict the effect of missense changes on protein structure and function are either unavailable or do not agree on the potential impact of this missense change (SIFT: "Tolerated"; PolyPhen-2: "Possibly Damaging"; Align-GVGD: "Class C0"). In summary, the available evidence is currently insufficient to determine the role of this variant in disease. Therefore, it has been classified as a Variant of Uncertain Significance.